The following is an entry in ClinVar:

NM_021930.6(RINT1):c.1045G>A (p.Glu349Lys)

Gene: RINT1 (RAD50 interactor 1; plus strand). Cytogenetic location: 7q22.3.
Variant type: single nucleotide variant.
Coding change: c.1045G>A on transcript NM_021930.6 (MANE Select); coding-DNA position 1045, G replaced by A.
Protein change: p.Glu349Lys; replaces glutamic acid 349 with lysine.
Molecular consequence: missense variant. On other transcripts: non-coding transcript variant (1).
Genome position (GRCh38, 1-based): chr7:105,550,103, G>A. VCF-style: chr7-105550103-G-A. GRCh37 (hg19) VCF-style: chr7-105190550-G-A.
Other names: c.811G>A, p.Glu271Lys (NM_001346599.2); c.22G>A, p.Glu8Lys (NM_001346600.2, NM_001346603.2); c.121G>A, p.Glu41Lys (NM_001346601.2); short protein forms E271K, E349K, E41K, E8K.
Identifiers: ClinVar variation 2563340 (VCV002563340.2), dbSNP rs2485131987, ClinGen allele CA368808370.
Genomic context (GRCh38, chr7:105,550,103, plus strand): 5'-CTCCTTCCTTAGCCAGAATGGTACTTGGCTCAAGTACTTATGTGGATTGGAAACCATACT[G>A]AATTTCTGGATGAGAAGATTCAGCCAATATTAGACAAAGTAGGCTCTTTGGTAAACGCAA-3'
Protein context (NP_068749.3, residues 339-359): QVLMWIGNHT[Glu349Lys]FLDEKIQPIL

ClinVar aggregate classification (germline): Uncertain significance (1 of 4 stars; one submission).

Allele frequency attached by ClinVar (database versions not stated): gnomAD exomes below 0.00001.
gnomAD v4.1: 1 of 1,613,928 alleles (0.000062%); highest among the groups gnomAD compares: Non-Finnish European, 0.000085%; no homozygotes.

Submission:

Ambry Genetics
Classification: Uncertain significance. Last evaluated: 2023-04-17. Review status: criteria provided, single submitter. Criteria: Ambry Variant Classification Scheme 2023. Collection method: clinical testing. Allele origin: germline.
Comment: The p.E349K variant (also known as c.1045G>A), located in coding exon 8 of the RINT1 gene, results from a G to A substitution at nucleotide position 1045. The glutamic acid at codon 349 is replaced by lysine, an amino acid with similar properties. This amino acid position is poorly conserved in available vertebrate species. In addition, this alteration is predicted to be tolerated by in silico analysis. The evidence for this gene-disease relationship is limited; therefore, the clinical significance of this alteration is unclear.